The following is an entry in ClinVar:

NM_001329556.3(REEP6):c.518-1G>C

Gene: REEP6 (receptor accessory protein 6; plus strand). Cytogenetic location: 19p13.3.
Variant type: single nucleotide variant.
Coding change: c.518-1G>C on transcript NM_001329556.3 (MANE Plus Clinical); the canonical splice acceptor site of the intron before coding-DNA position 518, G replaced by C.
Molecular consequence: splice acceptor variant. On other transcripts: intron variant (1).
Genome position (GRCh38, 1-based): chr19:1,496,590, G>C. VCF-style: chr19-1496590-G-C. GRCh37 (hg19) VCF-style: chr19-1496589-G-C.
Other names: c.517+137G>C (NM_138393.4).
Identifiers: ClinVar variation 966630 (VCV000966630.8), dbSNP rs2085009218, ClinGen allele CA1139666169.

ClinVar aggregate classification (germline): Likely pathogenic (1 of 4 stars; one submission).

Submission:

Labcorp Genetics (formerly Invitae), Labcorp
Classification: Likely pathogenic. Last evaluated: 2019-10-26. Review status: criteria provided, single submitter. Criteria: Invitae Variant Classification Sherloc (09022015). Collection method: clinical testing. Allele origin: germline.
Comment: In summary, the currently available evidence indicates that the variant is pathogenic, but additional data are needed to prove that conclusively. Therefore, this variant has been classified as Likely Pathogenic. Donor and acceptor splice site variants typically lead to a loss of protein function (PMID: 16199547), and loss-of-function variants in REEP6 are known to be pathogenic (PMID: 27889058, 29120066). This variant has been observed in individual(s) with retinitis pigmentosa (Invitae). The frequency data for this variant in the population databases is considered unreliable, as metrics indicate insufficient coverage at this position in the ExAC database. This sequence change affects acceptor splice site in intron 4 of the REEP6 gene. It is expected to disrupt RNA splicing and likely results in an absent or disrupted protein product.

Literature cited by the submitters: PubMed 16199547; PubMed 27889058; PubMed 29120066.